The following is an entry in ClinVar:

NM_000043.6(FAS):c.115A>T (p.Lys39Ter)

Gene: FAS (Fas cell surface death receptor; plus strand). Cytogenetic location: 10q23.31.
Variant type: single nucleotide variant.
Coding change: c.115A>T on transcript NM_000043.6 (MANE Select); coding-DNA position 115, A replaced by T.
Protein change: p.Lys39Ter; replaces lysine 39 with a stop codon.
Molecular consequence: nonsense. On other transcripts: non-coding transcript variant (7).
Genome position (GRCh38, 1-based): chr10:89,003,113, A>T. VCF-style: chr10-89003113-A-T. GRCh37 (hg19) VCF-style: chr10-90762870-A-T.
Other names: c.115A>T, p.Lys39Ter (NM_001320619.2, NM_152871.4, NM_152872.4); c.160A>T, p.Lys54Ter (NM_001410956.1); short protein forms K54*, K39*.
Identifiers: ClinVar variation 2698574 (VCV002698574.3), dbSNP rs2495021186, ClinGen allele CA377507498.

ClinVar aggregate classification (germline): Pathogenic (1 of 4 stars; one submission).

Conditions:
Autoimmune lymphoproliferative syndrome type 1. Also called: AUTOIMMUNE LYMPHOPROLIFERATIVE SYNDROME, TYPE I, AUTOSOMAL DOMINANT. Identifiers: Orphanet 3261, MedGen C2717884, MONDO:0011158, OMIM 601859.

Submission:

Labcorp Genetics (formerly Invitae), Labcorp
Classification: Pathogenic for Autoimmune lymphoproliferative syndrome. Last evaluated: 2023-11-24. Review status: criteria provided, single submitter. Criteria: Invitae Variant Classification Sherloc (09022015). Collection method: clinical testing. Allele origin: germline.
Comment: This sequence change creates a premature translational stop signal (p.Lys39*) in the FAS gene. It is expected to result in an absent or disrupted protein product. Loss-of-function variants in FAS are known to be pathogenic (PMID: 10875918, 22237435). This variant is not present in population databases (gnomAD no frequency). This variant has not been reported in the literature in individuals affected with FAS-related conditions. For these reasons, this variant has been classified as Pathogenic.

Literature cited by the submitters: PubMed 10875918; PubMed 22237435.